The following is an entry in ClinVar:

NM_001172509.2(SATB2):c.2122G>A (p.Glu708Lys)

Genes: SATB2 (SATB homeobox 2; minus strand), LOC126806462 (MED14-independent group 3 enhancer GRCh37_chr2:200136608-200137807; plus strand). Cytogenetic location: 2q33.1.
Variant type: single nucleotide variant.
Coding change: c.2122G>A on transcript NM_001172509.2 (MANE Select); coding-DNA position 2122, G replaced by A.
Protein change: p.Glu708Lys; replaces glutamic acid 708 with lysine.
Molecular consequence: missense variant.
Genome position (GRCh38, 1-based): chr2:199,272,291, C>T on the plus strand (G>A on the coding strand, the complement: SATB2 is on the minus strand). VCF-style: chr2-199272291-C-T. GRCh37 (hg19) VCF-style: chr2-200137014-C-T.
Other names: c.2122G>A, p.Glu708Lys (NM_001172517.1, NM_015265.4); short protein forms E708K.
Identifiers: ClinVar variation 1331319 (VCV001331319.2), dbSNP rs1692181936, ClinGen allele CA350385111.

ClinVar aggregate classification (germline): Uncertain significance (1 of 4 stars; one submission).

Allele frequency attached by ClinVar (database versions not stated): gnomAD exomes below 0.00001; TOPMed below 0.00001.
gnomAD v4.1: 1 of 1,614,178 alleles (0.000062%); highest among the groups gnomAD compares: Non-Finnish European, 0.000085%; no homozygotes.

Submission:

GeneDx
Classification: Uncertain significance. Last evaluated: 2021-07-01. Review status: criteria provided, single submitter. Criteria: GeneDx Variant Classification Process June 2021. Collection method: clinical testing. Allele origin: germline. Affected: yes.
Comment: Has not been previously published as pathogenic or benign to our knowledge; Not observed at significant frequency in large population cohorts (Lek et al., 2016); In silico analysis supports that this missense variant does not alter protein structure/function; This variant is associated with the following publications: (PMID: 27535533)